The following is an entry in ClinVar:

NC_000020.10:g.(?_62027832)_(62045449_?)del

Gene: KCNQ2 (potassium voltage-gated channel subfamily Q member 2; minus strand). Cytogenetic location: 20q13.33.
Variant type: Deletion.
Identifiers: ClinVar variation 3248255 (VCV003248255.1).

ClinVar aggregate classification (germline): Pathogenic (1 of 4 stars; one submission).

Conditions:
Developmental and epileptic encephalopathy. Identifiers: MedGen C5779964, MONDO:0100620.

Submission:

Labcorp Genetics (formerly Invitae), Labcorp
Classification: Pathogenic for Early-infantile DEE. Last evaluated: 2020-07-15. Review status: criteria provided, single submitter. Criteria: Invitae Variant Classification Sherloc (09022015). Collection method: clinical testing. Allele origin: unknown.
Comment: This variant is a gross deletion of the genomic region encompassing exons 15-17 and part of exon 14 (c.1623_*10165del) of the KCNQ2 gene. While this deletion is not anticipated to result in nonsense mediated decay, it is expected to create a truncated protein product or disrupt mRNA translation. This variant has not been reported in the literature in individuals with KCNQ2-related conditions. This variant disrupts the C-terminus of the KCNQ2 protein. Other variant(s) that disrupt this region (p.Cys744Leufs*91) have been determined to be pathogenic (PMID: 23692823). This suggests that variants that disrupt this region of the protein are likely to be causative of disease. For these reasons, this variant has been classified as Pathogenic.

Literature cited by the submitters: PubMed 23692823.